The following is an entry in ClinVar:

ClinVar aggregate classification (germline): Benign/Likely benign. Review status: criteria provided, multiple submitters, no conflicts (2 of 4 stars). 10 submissions from 10 submitters: Benign (2); Likely benign (8). Last evaluated 2026-05-12.

Conditions:
Hereditary cancer-predisposing syndrome. Also called: Neoplastic Syndromes, Hereditary; Hereditary Cancer Syndrome; Tumor predisposition; Hereditary neoplastic syndrome. Identifiers: Orphanet 140162, MedGen C0027672, MeSH D009386, MONDO:0015356.
Cardiovascular phenotype. Identifiers: MedGen CN230736.
Neurofibromatosis, type 1 (NF1). Also called: Peripheral type neurofibromatosis; Neurofibromatosis, type I; VON RECKLINGHAUSEN DISEASE; NEUROFIBROMATOSIS, TYPE I, SOMATIC. Identifiers: Orphanet 636, MedGen C0027831, MONDO:0018975, OMIM 162200. Disease mechanism: loss of function.

Submissions (10):

Myriad Genetics, Inc.
Classification: Likely benign for Neurofibromatosis, type 1. Last evaluated: 2026-05-12. Review status: criteria provided, single submitter. Criteria: Myriad Autosomal Dominant, Autosomal Recessive and X-Linked Classification Criteria (2023). Collection method: clinical testing. Allele origin: unknown.
Comment: This variant is considered likely benign. This variant is intronic and is not expected to impact mRNA splicing.

Labcorp Genetics (formerly Invitae), Labcorp
Classification: Benign for Neurofibromatosis, type 1. Last evaluated: 2026-02-04. Review status: criteria provided, single submitter. Criteria: Invitae Variant Classification Sherloc (09022015). Collection method: clinical testing. Allele origin: germline.

Quest Diagnostics Nichols Institute San Juan Capistrano
Classification: Likely benign. Last evaluated: 2025-09-11. Review status: criteria provided, single submitter. Criteria: Quest Diagnostics criteria. Collection method: clinical testing. Allele origin: unknown.

Blueprint Genetics
Classification: Likely benign. Last evaluated: 2024-11-13. Review status: criteria provided, single submitter. Criteria: ACMG Guidelines, 2015. Collection method: clinical testing. Allele origin: germline.

Women's Health and Genetics/Laboratory Corporation of America, LabCorp
Classification: Benign. Last evaluated: 2022-06-06. Review status: criteria provided, single submitter. Criteria: LabCorp Variant Classification Summary - May 2015. Collection method: clinical testing. Allele origin: germline.
Comment: Variant summary: NF1 c.3197+9dupA alters a nucleotide located close to a canonical splice site and therefore could affect mRNA splicing, leading to a significantly altered protein sequence. 4/4 computational tools predict no significant impact on normal splicing. However, these predictions have yet to be confirmed by functional studies. The variant allele was found at a frequency of 0.00041 in 152128 control chromosomes (gnomAD v3.1, genomes dataset). However, the variant was found in the Amish subpopulation at a frequency of 0.044 (i.e. 40/912 alleles), including 2 homozygotes. This frequency is about 210-fold of the estimated maximum expected for a pathogenic variant in NF1 causing Neurofibromatosis Type 1 (0.001), suggesting that the variant is a benign polymorphism. c.3197+9dupA has been reported in the literature in individuals affected with various tumor phenotypes (examples: Schrader_2016, Henn_2019). However, in one of these reports a co-occurrence with another pathogenic variant has been reported (PTEN c.930_931delTA (p.Asp310Glufs*2) in Henn_2019), providing supporting evidence for a benign role. To our knowledge, no experimental evidence demonstrating an impact on protein function has been reported. Three clinical diagnostic laboratories have submitted clinical-significance assessments for this variant to ClinVar after 2014 without evidence for independent evaluation. All laboratories classified the variant as benign/likely benign. Based on the evidence outlined above, the variant was classified as benign.

Genome-Nilou Lab
Classification: Likely benign for Neurofibromatosis, type 1. Last evaluated: 2022-03-15. Review status: criteria provided, single submitter. Criteria: ACMG Guidelines, 2015. Collection method: clinical testing. Allele origin: germline. Affected: no.

Sema4
Classification: Likely benign for Hereditary cancer-predisposing syndrome. Last evaluated: 2021-08-26. Review status: criteria provided, single submitter. Criteria: Sema4 Curation Guidelines. Collection method: curation. Allele origin: germline.

GeneDx
Classification: Likely benign. Last evaluated: 2017-10-02. Review status: criteria provided, single submitter. Criteria: GeneDx Variant Classification (06012015). Collection method: clinical testing. Allele origin: germline. Affected: yes.
Comment: This variant is considered likely benign or benign based on one or more of the following criteria: it is a conservative change, it occurs at a poorly conserved position in the protein, it is predicted to be benign by multiple in silico algorithms, and/or has population frequency not consistent with disease.

Ambry Genetics
Classification: Likely benign for Cardiovascular phenotype; Hereditary cancer-predisposing syndrome. Last evaluated: 2015-05-22. Review status: criteria provided, single submitter. Criteria: Ambry Variant Classification Scheme 2023. Collection method: clinical testing. Allele origin: germline.

PreventionGenetics, part of Exact Sciences
Classification: Likely benign. Review status: criteria provided, single submitter. Criteria: ACMG Guidelines, 2015. Collection method: clinical testing. Allele origin: germline.

Literature cited by the submitters: PubMed 26556299 (cited by Women's Health and Genetics/Laboratory Corporation of America, LabCorp); PubMed 26345759 (cited by Women's Health and Genetics/Laboratory Corporation of America, LabCorp); PubMed 10678181 (cited by Women's Health and Genetics/Laboratory Corporation of America, LabCorp); PubMed 23460398 (cited by Women's Health and Genetics/Laboratory Corporation of America, LabCorp); PubMed 29872168 (cited by Women's Health and Genetics/Laboratory Corporation of America, LabCorp); PubMed 30680046 (cited by Women's Health and Genetics/Laboratory Corporation of America, LabCorp); PubMed 27069254 (cited by Women's Health and Genetics/Laboratory Corporation of America, LabCorp).

NM_001042492.3(NF1):c.3197+9dup

Gene: NF1 (neurofibromin 1; plus strand). Cytogenetic location: 17q11.2.
Variant type: Duplication.
Coding change: c.3197+9dup on transcript NM_001042492.3 (MANE Select); 9 bases into the intron after coding-DNA position 3197, one base duplicated (A; older notation c.3197+9dupA).
Molecular consequence: intron variant.
Genome position (GRCh38, 1-based): chr17:31,230,934, A duplicated; the last of 7 consecutive A bases (chr17:31,230,928-31,230,934); duplicating any one gives the same sequence. VCF-style (leftmost placement, unchanged base first): chr17-31230927-T-TA. GRCh37 (hg19) VCF-style: chr17-29557945-T-TA.
Other names: c.3197+2_3197+3insA (NM_000267.3); c.3197+9dup (NM_000267.4); c.3197+9dupA (NM_001042492.2, NM_000267.3).
Identifiers: ClinVar variation 237546 (VCV000237546.16), dbSNP rs755212937, ClinGen allele CA348549.